The following is an entry in ClinVar:

NM_001035.3(RYR2):c.464-8A>C

Gene: RYR2 (ryanodine receptor 2; plus strand). Cytogenetic location: 1q43.
Variant type: single nucleotide variant.
Coding change: c.464-8A>C on transcript NM_001035.3 (MANE Select); 8 bases into the intron before coding-DNA position 464, A replaced by C.
Molecular consequence: intron variant.
Genome position (GRCh38, 1-based): chr1:237,377,315, A>C. VCF-style: chr1-237377315-A-C. GRCh37 (hg19) VCF-style: chr1-237540615-A-C.
Other names: IVS7-8A>C; IVS7-8 A>C; p.?.
Identifiers: ClinVar variation 43790 (VCV000043790.37), dbSNP rs10925391, ClinGen allele CA009619.
Genomic context (GRCh38, chr1:237,377,315, plus strand): 5'-ATTGGCAAAGAAAATAGATTTTAATTAAGAGGAACTTTTTCATGTTTCACATATCCGTAT[A>C]TCTGCAGGGGAGGCTTGTTGGTGGACCATACACCCTGCCTCTAAGCAGCGATCAGAAGGA-3'

ClinVar aggregate classification (germline): Benign. Review status: criteria provided, multiple submitters, no conflicts (2 of 4 stars). 18 submissions from 15 submitters: Benign (16). 2 of the submissions do not count toward it. Last evaluated 2026-02-04.

Conditions:
Cardiac arrhythmia. Also called: Arrhythmia; Cardiac rhythm disease. Identifiers: MedGen C0003811, MONDO:0007263, HP:0011675.
Cardiovascular phenotype. Identifiers: MedGen CN230736.
Cardiomyopathy (CMYO). Also called: Cardiomyopathies. Identifiers: Orphanet 167848, MedGen C0878544, MONDO:0004994, HP:0001638. Inheritance: Various modes of inheritance.
Catecholaminergic polymorphic ventricular tachycardia 1. Also called: VENTRICULAR TACHYCARDIA, CATECHOLAMINERGIC POLYMORPHIC, 1, WITH OR WITHOUT ATRIAL DYSFUNCTION AND/OR DILATED CARDIOMYOPATHY; VENTRICULAR TACHYCARDIA, STRESS-INDUCED POLYMORPHIC 1; RYR2-Related Catecholaminergic Polymorphic Ventricular Tachycardia. Identifiers: Orphanet 3286, MedGen C1631597, MONDO:0011484, OMIM 604772.
Arrhythmogenic right ventricular dysplasia 2. Identifiers: MedGen C1832931.

Allele frequency attached by ClinVar (database versions not stated): ExAC 0.30215; ESP Exome Variant Server 0.30434; gnomAD 0.33370 and 0.33866; TOPMed 0.34088; 1000 Genomes Project 0.36282; 1000 Genomes Project 30x 0.36555.

Submissions (18):

Labcorp Genetics (formerly Invitae), Labcorp
Classification: Benign for Catecholaminergic polymorphic ventricular tachycardia 1. Last evaluated: 2026-02-04. Review status: criteria provided, single submitter. Criteria: Invitae Variant Classification Sherloc (09022015). Collection method: clinical testing. Allele origin: germline.

Molecular Diagnostic Laboratory for Inherited Cardiovascular Disease, Montreal Heart Institute
Classification: Benign. Last evaluated: 2025-04-09. Review status: criteria provided, single submitter. Criteria: ACMG Guidelines, 2015. Collection method: clinical testing. Allele origin: germline. Affected: no.

Blueprint Genetics
Classification: Benign. Last evaluated: 2024-11-26. Review status: criteria provided, single submitter. Criteria: ACMG Guidelines, 2015. Collection method: clinical testing. Allele origin: germline.

Genome-Nilou Lab
Classification: Benign for Catecholaminergic polymorphic ventricular tachycardia 1. Last evaluated: 2021-11-07. Review status: criteria provided, single submitter. Criteria: ACMG Guidelines, 2015. Collection method: clinical testing. Allele origin: germline. Affected: no.

Genome-Nilou Lab
Classification: Benign for Ventricular arrhythmias due to cardiac ryanodine receptor calcium release deficiency syndrome. Last evaluated: 2021-11-07. Review status: criteria provided, single submitter. Criteria: ACMG Guidelines, 2015. Collection method: clinical testing. Allele origin: germline. Affected: no.

Genome-Nilou Lab
Classification: Benign for Catecholaminergic polymorphic ventricular tachycardia 1. Last evaluated: 2021-11-07. Review status: criteria provided, single submitter. Criteria: ACMG Guidelines, 2015. Collection method: clinical testing. Allele origin: germline. Affected: no.

Color Diagnostics, LLC DBA Color Health
Classification: Benign for Cardiomyopathy. Last evaluated: 2018-03-09. Review status: criteria provided, single submitter. Criteria: ACMG Guidelines, 2015. Collection method: clinical testing. Allele origin: germline.

Illumina Laboratory Services, Illumina
Classification: Benign for Catecholaminergic polymorphic ventricular tachycardia 1. Last evaluated: 2018-01-12. Review status: criteria provided, single submitter. Criteria: ICSL Variant Classification Criteria 13 December 2019. Collection method: clinical testing. Allele origin: germline.
Comment: This variant was observed in the ICSL laboratory as part of a predisposition screen in an ostensibly healthy population. It had not been previously curated by ICSL or reported in the Human Gene Mutation Database (HGMD: prior to June 1st, 2018), and was therefore a candidate for classification through an automated scoring system. Utilizing variant allele frequency, disease prevalence and penetrance estimates, and inheritance mode, an automated score was calculated to assess if this variant is too frequent to cause the disease. Based on the score and internal cut-off values, a variant classified as benign is not then subjected to further curation. The score for this variant resulted in a classification of benign for this disease.

Illumina Laboratory Services, Illumina
Classification: Benign for Catecholaminergic polymorphic ventricular tachycardia 1. Last evaluated: 2018-01-12. Review status: criteria provided, single submitter. Criteria: ICSL Variant Classification Criteria 13 December 2019. Collection method: clinical testing. Allele origin: germline.
Comment: the same text as in the submission from Illumina Laboratory Services, Illumina above.

Ambry Genetics
Classification: Benign for Cardiovascular phenotype. Last evaluated: 2014-12-08. Review status: criteria provided, single submitter. Criteria: Ambry Variant Classification Scheme 2023. Collection method: clinical testing. Allele origin: germline.

Eurofins Ntd Llc (ga)
Classification: Benign. Last evaluated: 2014-11-12. Review status: criteria provided, single submitter. Criteria: EGL Classification Definitions 2015. Collection method: clinical testing. Allele origin: germline. Observed: 1 variant allele, 1 heterozygote.

Mayo Clinic Laboratories, Mayo Clinic
Classification: Benign. Last evaluated: 2014-02-25. Review status: criteria provided, single submitter. Criteria: ACMG Guidelines, 2015. Collection method: clinical testing. Allele origin: germline. Observed: 641 variant alleles.

GeneDx
Classification: Benign. Last evaluated: 2013-03-22. Review status: criteria provided, single submitter. Criteria: GeneDx Variant Classification (06012015). Collection method: clinical testing. Allele origin: germline. Affected: yes.
Comment: This variant is considered likely benign or benign based on one or more of the following criteria: it is a conservative change, it occurs at a poorly conserved position in the protein, it is predicted to be benign by multiple in silico algorithms, and/or has population frequency not consistent with disease.

Laboratory for Molecular Medicine, Mass General Brigham Personalized Medicine
Classification: Benign. Last evaluated: 2011-12-01. Review status: criteria provided, single submitter. Criteria: LMM Criteria. Collection method: clinical testing. Allele origin: germline. Observed: 885 variant alleles.

Breakthrough Genomics
Classification: Benign. Review status: criteria provided, single submitter. Criteria: ACMG Guidelines, 2015. Collection method: not provided. Allele origin: germline. Inheritance: Autosomal dominant inheritance. Affected: yes.

PreventionGenetics, part of Exact Sciences
Classification: Benign. Review status: criteria provided, single submitter. Criteria: ACMG Guidelines, 2015. Collection method: clinical testing. Allele origin: germline.

Clinical Genetics, Academic Medical Center
Classification: Benign. Review status: no assertion criteria provided. Collection method: clinical testing. Allele origin: germline. Affected: yes. Study: VKGL Data-share Consensus. Not counted in ClinVar's aggregate classification.

Diagnostic Laboratory, Department of Genetics, University Medical Center Groningen
Classification: Benign. Review status: no assertion criteria provided. Collection method: clinical testing. Allele origin: germline. Affected: yes. Study: VKGL Data-share Consensus. Not counted in ClinVar's aggregate classification.